The following is an entry in ClinVar:

ClinVar aggregate classification (germline): Uncertain significance (1 of 4 stars; one submission).

Conditions:
Inborn genetic diseases. Identifiers: MedGen C0950123, MeSH D030342.

gnomAD v4.1: 1 of 1,613,754 alleles (0.000062%); highest among the groups gnomAD compares: Non-Finnish European, 0.000085%; no homozygotes.

Submission:

Ambry Genetics
Classification: Uncertain significance for Inborn genetic diseases. Last evaluated: 2026-03-24. Review status: criteria provided, single submitter. Criteria: Ambry Variant Classification Scheme 2023. Collection method: clinical testing. Allele origin: germline.
Comment: The c.1151A>G (p.N384S) alteration is located in exon 9 (coding exon 8) of the PROC gene. This alteration results from a A to G substitution at nucleotide position 1151, causing the asparagine (N) at amino acid position 384 to be replaced by a serine (S). This variant was not reported in population-based cohorts in the Genome Aggregation Database (gnomAD). This variant was identified in one or more individuals with features consistent with thrombophilia due to protein C deficiency and segregated with disease in at least one family (Yuan, 2025; Seidel, 2020; Ma, 2024). Other variant(s) at the same codon, c.1152C>G (p.N384K) and c.1152C>A (p.N384K), have been identified in individual(s) with features consistent with thrombophilia due to protein C deficiency (Rovida, 2007; Xie, 2017). This amino acid position is highly conserved in available vertebrate species. In multiple assays testing PROC function, this variant showed functionally abnormal results (Yuan, 2025). Based on insufficient or conflicting evidence, the clinical significance of this alteration remains unclear.

Literature cited by the submitters: PubMed 17152060; PubMed 29349439; PubMed 32309994; PubMed 38011862; PubMed 40250449.

NM_000312.4(PROC):c.1151A>G (p.Asn384Ser)

Gene: PROC (protein C, inactivator of coagulation factors Va and VIIIa; plus strand). Cytogenetic location: 2q14.3.
Variant type: single nucleotide variant.
Coding change: c.1151A>G on transcript NM_000312.4 (MANE Select); coding-DNA position 1151, A replaced by G.
Protein change: p.Asn384Ser; replaces asparagine 384 with serine.
Molecular consequence: missense variant.
Genome position (GRCh38, 1-based): chr2:127,428,711, A>G. VCF-style: chr2-127428711-A-G. GRCh37 (hg19) VCF-style: chr2-128186287-A-G.
Other names: c.1334A>G, p.Asn445Ser (NM_001375602.1); c.1316A>G, p.Asn439Ser (NM_001375603.1); c.1214A>G, p.Asn405Ser (NM_001375604.1); c.1253A>G, p.Asn418Ser (NM_001375605.1); c.1319A>G, p.Asn440Ser (NM_001375606.1); c.1337A>G, p.Asn446Ser (NM_001375607.1); c.1094A>G, p.Asn365Ser (NM_001375608.1); c.1127A>G, p.Asn376Ser (NM_001375609.1); and 2 more; short protein forms N365S, N376S, N382S, N384S, N405S, N418S, N439S, N440S.
Identifiers: ClinVar variation 4862536 (VCV004862536.1).